The following is an entry in ClinVar:

NM_004937.3(CTNS):c.481G>A (p.Asp161Asn)

Genes: CTNS (cystinosin, lysosomal cystine transporter; plus strand), CTNS-AS1 (CTNS antisense RNA 1; minus strand). Cytogenetic location: 17p13.2.
Variant type: single nucleotide variant.
Coding change: c.481G>A on transcript NM_004937.3 (MANE Select); coding-DNA position 481, G replaced by A.
Protein change: p.Asp161Asn; replaces aspartic acid 161 with asparagine.
Molecular consequence: missense variant.
Genome position (GRCh38, 1-based): chr17:3,656,506, G>A. VCF-style: chr17-3656506-G-A. GRCh37 (hg19) VCF-style: chr17-3559800-G-A.
Other names: p.Asp161Asn; c.481G>A, p.Asp161Asn (NM_001031681.3, NM_001374492.1); c.40G>A, p.Asp14Asn (NM_001374493.1, NM_001374494.1, NM_001374495.1 and 1 more transcripts); short protein forms D161N, D14N.
Identifiers: ClinVar variation 889822 (VCV000889822.10), dbSNP rs371533565, ClinGen allele CA8291754.

ClinVar aggregate classification (germline): Uncertain significance. Review status: criteria provided, multiple submitters, no conflicts (2 of 4 stars). 5 submissions from 4 submitters: Uncertain significance (5). Last evaluated 2026-01-25.

Conditions:
Nephropathic cystinosis (CTNS). Also called: CYSTINOSIN, DEFECT OF; LYSOSOMAL CYSTINE TRANSPORT PROTEIN, DEFECT OF; Abderhalden Lignac Kaufmann disease; Abderhalden-Kaufmann-Lignac syndrome. Identifiers: Orphanet 213, Orphanet 411629, MedGen C2931187, MONDO:0100151, OMIM 219800.
Ocular cystinosis. Also called: Non-Nephropathic (Ocular) Cystinosis; Non-Nephropathic Cystinosis. Identifiers: Orphanet 213, Orphanet 411641, MedGen C2931013, MONDO:0009064, OMIM 219750.
Juvenile nephropathic cystinosis. Also called: Later-Onset (Juvenile) Cystinosis; Intermediate Cystinosis; CYSTINOSIS, LATE-ONSET JUVENILE OR ADOLESCENT NEPHROPATHIC TYPE. Identifiers: Orphanet 213, Orphanet 411634, MedGen C0268626, MONDO:0009066, OMIM 219900.
Inborn genetic diseases. Identifiers: MedGen C0950123, MeSH D030342.

Allele frequency attached by ClinVar (database versions not stated): gnomAD 0.00002 and 0.00003; TOPMed 0.00002; ExAC 0.00009; ESP Exome Variant Server 0.00015.
gnomAD v4.1: 48 of 1,598,070 alleles (0.003%); highest among the groups gnomAD compares: East Asian, 0.083%; no homozygotes.

Submissions (5):

Labcorp Genetics (formerly Invitae), Labcorp
Classification: Uncertain significance for Inborn genetic diseases; Ocular cystinosis; Juvenile nephropathic cystinosis. Last evaluated: 2026-01-25. Review status: criteria provided, single submitter. Criteria: Invitae Variant Classification Sherloc (09022015). Collection method: clinical testing. Allele origin: germline.
Comment: This sequence change replaces aspartic acid, which is acidic and polar, with asparagine, which is neutral and polar, at codon 161 of the CTNS protein (p.Asp161Asn). This variant is present in population databases (rs371533565, gnomAD 0.03%). This variant has not been reported in the literature in individuals affected with CTNS-related conditions. ClinVar contains an entry for this variant (Variation ID: 889822). Invitae Evidence Modeling of protein sequence and biophysical properties (such as structural, functional, and spatial information, amino acid conservation, physicochemical variation, residue mobility, and thermodynamic stability) indicates that this missense variant is expected to disrupt CTNS protein function with a positive predictive value of 80%. Experimental studies have shown that this missense change affects CTNS function (PMID: 22232659). In summary, the available evidence is currently insufficient to determine the role of this variant in disease. Therefore, it has been classified as a Variant of Uncertain Significance.

Fulgent Genetics
Classification: Uncertain significance for Ocular cystinosis; Nephropathic cystinosis; Juvenile nephropathic cystinosis. Last evaluated: 2024-04-30. Review status: criteria provided, single submitter. Criteria: ACMG Guidelines, 2015. Collection method: clinical testing. Allele origin: germline.

Mayo Clinic Laboratories, Mayo Clinic
Classification: Uncertain significance. Last evaluated: 2021-06-18. Review status: criteria provided, single submitter. Criteria: ACMG Guidelines, 2015. Collection method: clinical testing. Allele origin: germline.

Illumina Laboratory Services, Illumina
Classification: Uncertain significance for Nephropathic cystinosis. Last evaluated: 2018-01-13. Review status: criteria provided, single submitter. Criteria: ICSL Variant Classification Criteria 13 December 2019. Collection method: clinical testing. Allele origin: germline.

Illumina Laboratory Services, Illumina
Classification: Uncertain significance for Ocular cystinosis. Last evaluated: 2018-01-13. Review status: criteria provided, single submitter. Criteria: ICSL Variant Classification Criteria 13 December 2019. Collection method: clinical testing. Allele origin: germline.

Literature cited by the submitters: PubMed 22232659 (cited by Labcorp Genetics (formerly Invitae), Labcorp).